The following is an entry in ClinVar:

ClinVar aggregate classification (germline): Benign/Likely benign. Review status: criteria provided, multiple submitters, no conflicts (2 of 4 stars). 4 submissions from 4 submitters: Benign (1); Likely benign (2). 1 of the submissions does not count toward it. Last evaluated 2026-01-28.

Conditions:
Rhizomelic chondrodysplasia punctata type 3 (RCDP3). Also called: ALKYLDIHYDROXYACETONEPHOSPHATE SYNTHASE DEFICIENCY; Alkylglycerone Phosphate Synthase (AGPS) deficiency. Identifiers: Orphanet 177, Orphanet 309803, MedGen C1838612, MONDO:0010823, OMIM 600121. Disease mechanism: loss of function.

Allele frequency attached by ClinVar (database versions not stated): gnomAD 0.00011 and 0.00016; ExAC 0.00016; TOPMed 0.00024; gnomAD exomes 0.00035; 1000 Genomes Project 30x 0.00047; 1000 Genomes Project 0.00060.
gnomAD v4.1: 136 of 1,550,112 alleles (0.0088%); highest among the groups gnomAD compares: East Asian, 0.29%; 1 homozygote.

Submissions (4):

Labcorp Genetics (formerly Invitae), Labcorp
Classification: Benign. Last evaluated: 2026-01-28. Review status: criteria provided, single submitter. Criteria: Invitae Variant Classification Sherloc (09022015). Collection method: clinical testing. Allele origin: germline.

Blueprint Genetics
Classification: Likely benign. Last evaluated: 2024-02-29. Review status: criteria provided, single submitter. Criteria: ACMG Guidelines, 2015. Collection method: clinical testing. Allele origin: germline.

Illumina Laboratory Services, Illumina
Classification: Likely benign for Rhizomelic chondrodysplasia punctata type 3. Last evaluated: 2018-01-13. Review status: criteria provided, single submitter. Criteria: ICSL Variant Classification Criteria 13 December 2019. Collection method: clinical testing. Allele origin: germline.
Comment: This variant was observed in the ICSL laboratory as part of a predisposition screen in an ostensibly healthy population. It had not been previously curated by ICSL or reported in the Human Gene Mutation Database (HGMD: prior to June 1st, 2018), and was therefore a candidate for classification through an automated scoring system. Utilizing variant allele frequency, disease prevalence and penetrance estimates, and inheritance mode, an automated score was calculated to assess if this variant is too frequent to cause the disease. Based on the score and internal cut-off values, a variant classified as likely benign is not then subjected to further curation. The score for this variant resulted in a classification of likely benign for this disease.

Natera, Inc.
Classification: Likely benign for Rhizomelic chondrodysplasia punctata, type 3. Last evaluated: 2019-10-24. Review status: no assertion criteria provided. Collection method: clinical testing. Allele origin: germline. Not counted in ClinVar's aggregate classification.

NM_003659.4(AGPS):c.157C>T (p.Leu53=)

Genes: AGPS (alkylglycerone phosphate synthase; plus strand), LOC129935172 (ATAC-STARR-seq lymphoblastoid silent region 12147; plus strand). Cytogenetic location: 2q31.2.
Variant type: single nucleotide variant.
Coding change: c.157C>T on transcript NM_003659.4 (MANE Select); coding-DNA position 157, C replaced by T.
Protein change: p.Leu53=; no amino-acid change (leucine 53 retained).
Molecular consequence: synonymous variant.
Genome position (GRCh38, 1-based): chr2:177,392,946, C>T. VCF-style: chr2-177392946-C-T. GRCh37 (hg19) VCF-style: chr2-178257674-C-T.
Identifiers: ClinVar variation 760154 (VCV000760154.18), dbSNP rs77810072, ClinGen allele CA1980015.
Genomic context (GRCh38, chr2:177,392,946, plus strand): 5'-CGCGCCGGGCGGAGGCTGCGGGTTCTCTCTGGCCATCTGCTGGGCCGGCCCCGGGAGGCT[C>T]TGAGTACCAATGAGTGCAAAGCGCGGAGAGCCGCGTCGGCGGCCACGGCAGCGCCCACGG-3'
Protein context (NP_003650.1, residues 43-63): GHLLGRPREA[Leu53=]STNECKARRA